The following is an entry in ClinVar:

ClinVar aggregate classification (germline): Uncertain significance (1 of 4 stars; one submission).

gnomAD v4.1: 27 of 1,613,230 alleles (0.0017%); highest among the groups gnomAD compares: African/African-American, 0.024%; 2 homozygotes.

Submission:

GeneDx
Classification: Uncertain significance. Last evaluated: 2026-02-14. Review status: criteria provided, single submitter. Criteria: GeneDx Variant Classification Process June 2021. Collection method: clinical testing. Allele origin: germline.
Comment: Not observed at significant frequency in large population cohorts (gnomAD); In silico analysis suggests that this missense variant does not alter protein structure/function; Has not been previously published as pathogenic or benign to our knowledge

NM_001750.7(CAST):c.2299A>G (p.Lys767Glu)

Genes: CAST (calpastatin; plus strand), ERAP1 (endoplasmic reticulum aminopeptidase 1; minus strand). Cytogenetic location: 5q15.
Variant type: single nucleotide variant.
Coding change: c.2299A>G on transcript NM_001750.7 (MANE Select); coding-DNA position 2299, A replaced by G.
Protein change: p.Lys767Glu; replaces lysine 767 with glutamic acid.
Molecular consequence: missense variant. On other transcripts: non-coding transcript variant (1), intron variant (2).
Genome position (GRCh38, 1-based): chr5:96,770,561, A>G. VCF-style: chr5-96770561-A-G. GRCh37 (hg19) VCF-style: chr5-96106265-A-G.
Other names: c.2011A>G, p.Lys671Glu (NM_001423252.1, NM_001330631.2, NM_001423251.1 and 1 more transcripts); c.1984A>G, p.Lys662Glu (NM_001423253.1, NM_001423254.1, NM_173060.5); c.1945A>G, p.Lys649Glu (NM_001423255.1, NM_001423256.1, NM_001423257.1 and 2 more transcripts); c.1942A>G, p.Lys648Glu (NM_001423259.1); c.1888A>G, p.Lys630Glu (NM_001423260.1, NM_001042446.3); c.2173A>G, p.Lys725Glu (NM_001330627.2); c.2131A>G, p.Lys711Glu (NM_001330628.2); c.2215A>G, p.Lys739Glu (NM_001330629.2); and 14 more; short protein forms K630E, K643E, K649E, K662E, K684E, K725E, K726E, K730E.
Identifiers: ClinVar variation 5008670 (VCV005008670.1).
Genomic context (GRCh38, chr5:96,770,561, plus strand): 5'-CATAGCCTCATTACATTTCCTTTGCTTTAGGATAAGTGCAAGAAGGCTGCTTCCAGCTCC[A>G]AAGCACCTAAGAATGGAGGTAAAGCGAAGGATTCAGCAAAGGTAAATGGAGCAGTAAATA-3'
Protein context (NP_001741.4, residues 757-777): DKCKKAASSS[Lys767Glu]APKNGGKAKD